The following is an entry in ClinVar:

NM_001372.4(DNAH9):c.6133C>T (p.Arg2045Trp)

Gene: DNAH9 (dynein axonemal heavy chain 9; plus strand). Cytogenetic location: 17p12.
Variant type: single nucleotide variant.
Coding change: c.6133C>T on transcript NM_001372.4 (MANE Select); coding-DNA position 6133, C replaced by T.
Protein change: p.Arg2045Trp; replaces arginine 2045 with tryptophan.
Molecular consequence: missense variant.
Genome position (GRCh38, 1-based): chr17:11,744,818, C>T. VCF-style: chr17-11744818-C-T. GRCh37 (hg19) VCF-style: chr17-11648135-C-T.
Other names: short protein forms R2045W.
Identifiers: ClinVar variation 4292126 (VCV004292126.1).

ClinVar aggregate classification (germline): Uncertain significance (1 of 4 stars; one submission).

Conditions:
Ciliary dyskinesia, primary, 40. Also called: CILIARY DYSKINESIA, PRIMARY, 40, WITH OR WITHOUT SITUS INVERSUS. Identifiers: MedGen C4749028, MONDO:0032664, OMIM 618300.

gnomAD v4.1: 18 of 1,613,344 alleles (0.0011%); highest among the groups gnomAD compares: East Asian, 0.0045%; no homozygotes.

Submission:

3billion
Classification: Uncertain significance for Ciliary dyskinesia, primary, 40. Last evaluated: 2024-12-19. Review status: criteria provided, single submitter. Criteria: ACMG Guidelines, 2015. Collection method: clinical testing. Allele origin: germline. Affected: yes.
Comment: The variant is observed at an extremely low frequency in the gnomAD v4.1.0 dataset (total allele frequency: 0.001%). Predicted Consequence/Location: Missense variant. The majority of the known disease-causing variants of this gene are variants expected to result in premature termination of the protein. In silico tool predictions suggest damaging effect of the variant on gene or gene product [REVEL: 0.80 (>=0.6, sensitivity 0.68 and specificity 0.92)]. The variant has been reported as of uncertain significance (PMID: 37168556). Different missense changes at the same codon have been reported as of uncertain significance (ClinVar ID: VCV002573819). Therefore, this variant is classified as VUS according to the recommendation of ACMG/AMP guideline.